The following is an entry in ClinVar:

ClinVar aggregate classification (germline): Uncertain significance. Review status: criteria provided, multiple submitters, no conflicts (2 of 4 stars). 2 submissions from 2 submitters: Uncertain significance (2). Last evaluated 2024-11-03.

Conditions:
Hereditary cancer-predisposing syndrome. Also called: Tumor predisposition; Hereditary Cancer Syndrome; Hereditary neoplastic syndrome; Neoplastic Syndromes, Hereditary. Identifiers: Orphanet 140162, MedGen C0027672, MeSH D009386, MONDO:0015356.

Submissions (2):

Ambry Genetics
Classification: Uncertain significance for Hereditary cancer-predisposing syndrome. Last evaluated: 2024-11-03. Review status: criteria provided, single submitter. Criteria: Ambry Variant Classification Scheme 2023. Collection method: clinical testing. Allele origin: germline.
Comment: The p.K176R variant (also known as c.527A>G), located in coding exon 6 of the POLE gene, results from an A to G substitution at nucleotide position 527. The lysine at codon 176 is replaced by arginine, an amino acid with highly similar properties. This amino acid position is conserved. In addition, this alteration is predicted to be tolerated by in silico analysis. Based on the available evidence, the clinical significance of this variant remains unclear.

Labcorp Genetics (formerly Invitae), Labcorp
Classification: Uncertain significance. Last evaluated: 2024-05-08. Review status: criteria provided, single submitter. Criteria: Invitae Variant Classification Sherloc (09022015). Collection method: clinical testing. Allele origin: germline.
Comment: This sequence change replaces lysine, which is basic and polar, with arginine, which is basic and polar, at codon 176 of the POLE protein (p.Lys176Arg). This variant is not present in population databases (gnomAD no frequency). This variant has not been reported in the literature in individuals affected with POLE-related conditions. ClinVar contains an entry for this variant (Variation ID: 1479146). Advanced modeling of protein sequence and biophysical properties (such as structural, functional, and spatial information, amino acid conservation, physicochemical variation, residue mobility, and thermodynamic stability) performed at Invitae indicates that this missense variant is not expected to disrupt POLE protein function with a negative predictive value of 80%. In summary, the available evidence is currently insufficient to determine the role of this variant in disease. Therefore, it has been classified as a Variant of Uncertain Significance.

NM_006231.4(POLE):c.527A>G (p.Lys176Arg)

Gene: POLE (DNA polymerase epsilon, catalytic subunit; minus strand). Cytogenetic location: 12q24.33.
Variant type: single nucleotide variant.
Coding change: c.527A>G on transcript NM_006231.4 (MANE Select); coding-DNA position 527, A replaced by G.
Protein change: p.Lys176Arg; replaces lysine 176 with arginine.
Molecular consequence: missense variant.
Genome position (GRCh38, 1-based): chr12:132,679,548, T>C on the plus strand (A>G on the coding strand, the complement: POLE is on the minus strand). VCF-style: chr12-132679548-T-C. GRCh37 (hg19) VCF-style: chr12-133256134-T-C.
Other names: c.527A>G (NM_006231.2); short protein forms K176R.
Identifiers: ClinVar variation 1479146 (VCV001479146.7), dbSNP rs2136027315, ClinGen allele CA387366989.